The following is an entry in ClinVar:

NM_198576.4(AGRN):c.5416C>T (p.Arg1806Trp)

Gene: AGRN (agrin; plus strand). Cytogenetic location: 1p36.33.
Variant type: single nucleotide variant.
Coding change: c.5416C>T on transcript NM_198576.4 (MANE Select); coding-DNA position 5416, C replaced by T.
Protein change: p.Arg1806Trp; replaces arginine 1806 with tryptophan.
Molecular consequence: missense variant.
Genome position (GRCh38, 1-based): chr1:1,051,498, C>T. VCF-style: chr1-1051498-C-T. GRCh37 (hg19) VCF-style: chr1-986878-C-T.
Other names: c.5428C>T, p.Arg1810Trp (NM_001305275.2); c.5113C>T, p.Arg1705Trp (NM_001364727.2); short protein forms R1705W, R1806W, R1810W.
Identifiers: ClinVar variation 1061832 (VCV001061832.8), dbSNP rs757150379, ClinGen allele CA510025.

ClinVar aggregate classification (germline): Uncertain significance (1 of 4 stars; one submission).

Conditions:
Congenital myasthenic syndrome 8. Also called: Myasthenic syndrome, congenital, 8, with pre- and postsynaptic defects; MYASTHENIC SYNDROME, CONGENITAL, DUE TO AGRIN DEFICIENCY. Identifiers: Orphanet 590, MedGen C3808739, MONDO:0014052, OMIM 615120.

Allele frequency attached by ClinVar (database versions not stated): gnomAD exomes 0.00002 and 0.00003; ExAC 0.00004; TOPMed 0.00004; gnomAD 0.00006.
gnomAD v4.1: 46 of 1,567,564 alleles (0.0029%); highest among the groups gnomAD compares: Admixed American, 0.0089%; no homozygotes.

Submission:

Labcorp Genetics (formerly Invitae), Labcorp
Classification: Uncertain significance for Congenital myasthenic syndrome 8. Last evaluated: 2021-08-27. Review status: criteria provided, single submitter. Criteria: Invitae Variant Classification Sherloc (09022015). Collection method: clinical testing. Allele origin: germline.
Comment: This sequence change replaces arginine with tryptophan at codon 1806 of the AGRN protein (p.Arg1806Trp). The arginine residue is moderately conserved and there is a moderate physicochemical difference between arginine and tryptophan. This variant is present in population databases (rs757150379, ExAC 0.01%). This variant has not been reported in the literature in individuals affected with AGRN-related conditions. Algorithms developed to predict the effect of missense changes on protein structure and function are either unavailable or do not agree on the potential impact of this missense change (SIFT: "Deleterious"; PolyPhen-2: "Possibly Damaging"; Align-GVGD: "Class C0"). In summary, the available evidence is currently insufficient to determine the role of this variant in disease. Therefore, it has been classified as a Variant of Uncertain Significance.